The following is an entry in ClinVar:

NM_005732.4(RAD50):c.1392A>T (p.Leu464Phe)

Gene: RAD50 (RAD50 double strand break repair protein; plus strand). Cytogenetic location: 5q31.1.
Variant type: single nucleotide variant.
Coding change: c.1392A>T on transcript NM_005732.4 (MANE Select); coding-DNA position 1392, A replaced by T.
Protein change: p.Leu464Phe; replaces leucine 464 with phenylalanine.
Molecular consequence: missense variant.
Genome position (GRCh38, 1-based): chr5:132,589,777, A>T. VCF-style: chr5-132589777-A-T. GRCh37 (hg19) VCF-style: chr5-131925469-A-T.
Other names: short protein forms L464F.
Identifiers: ClinVar variation 819073 (VCV000819073.6), dbSNP rs1580993527, ClinGen allele CA360944575.
Genomic context (GRCh38, chr5:132,589,777, plus strand): 5'-GTTAAAATCAGAAATCCTAAGTAAGAAGCAGAATGAGCTGAAAAATGTGAAGTATGAATT[A>T]CAGCAGTTGGAAGGATCTTCAGACAGGATTCTTGAACTGGACCAGGAGCTCATAAAAGCT-3'
Protein context (NP_005723.2, residues 454-474): QNELKNVKYE[Leu464Phe]QQLEGSSDRI

ClinVar aggregate classification (germline): Uncertain significance. Review status: criteria provided, multiple submitters, no conflicts (2 of 4 stars). 2 submissions from 2 submitters: Uncertain significance (2). Last evaluated 2024-08-31.

Conditions:
Hereditary cancer-predisposing syndrome. Also called: Tumor predisposition; Hereditary neoplastic syndrome; Neoplastic Syndromes, Hereditary; Hereditary Cancer Syndrome. Identifiers: Orphanet 140162, MedGen C0027672, MeSH D009386, MONDO:0015356.

gnomAD v4.1: 1 of 1,613,814 alleles (0.000062%); no homozygotes.

Submissions (2):

Ambry Genetics
Classification: Uncertain significance for Hereditary cancer-predisposing syndrome. Last evaluated: 2024-08-31. Review status: criteria provided, single submitter. Criteria: Ambry Variant Classification Scheme 2023. Collection method: clinical testing. Allele origin: germline.
Comment: The p.L464F variant (also known as c.1392A>T), located in coding exon 9 of the RAD50 gene, results from an A to T substitution at nucleotide position 1392. The leucine at codon 464 is replaced by phenylalanine, an amino acid with highly similar properties. This amino acid position is highly conserved in available vertebrate species. In addition, this alteration is predicted to be tolerated by in silico analysis. Since supporting evidence is limited at this time, the clinical significance of this alteration remains unclear.

Breakthrough Genomics
Classification: Uncertain significance. Review status: criteria provided, single submitter. Criteria: ACMG Guidelines, 2015. Collection method: not provided. Allele origin: germline. Inheritance: Autosomal recessive inheritance. Affected: yes.